The following is an entry in ClinVar:

ClinVar aggregate classification (germline): Uncertain significance. Review status: criteria provided, multiple submitters, no conflicts (2 of 4 stars). 3 submissions from 3 submitters: Uncertain significance (3). Last evaluated 2025-03-19.

Conditions:
Inborn genetic diseases. Identifiers: MedGen C0950123, MeSH D030342.

Allele frequency attached by ClinVar (database versions not stated): gnomAD 0.00005; ESP Exome Variant Server 0.00008; ExAC 0.00002; gnomAD exomes 0.00003; TOPMed 0.00003.
gnomAD v4.1: 51 of 1,611,776 alleles (0.0032%); highest among the groups gnomAD compares: African/African-American, 0.0094%; no homozygotes.

Submissions (3):

GeneDx
Classification: Uncertain significance. Last evaluated: 2025-03-19. Review status: criteria provided, single submitter. Criteria: GeneDx Variant Classification Process June 2021. Collection method: clinical testing. Allele origin: germline. Affected: yes.
Comment: Not observed at significant frequency in large population cohorts (gnomAD); In silico analysis supports that this missense variant has a deleterious effect on protein structure/function; Has not been previously published as pathogenic or benign to our knowledge

Ambry Genetics
Classification: Uncertain significance for Inborn genetic diseases. Last evaluated: 2025-03-07. Review status: criteria provided, single submitter. Criteria: Ambry Variant Classification Scheme 2023. Collection method: clinical testing. Allele origin: germline.

Labcorp Genetics (formerly Invitae), Labcorp
Classification: Uncertain significance. Last evaluated: 2022-06-13. Review status: criteria provided, single submitter. Criteria: Invitae Variant Classification Sherloc (09022015). Collection method: clinical testing. Allele origin: germline.
Comment: This sequence change replaces threonine, which is neutral and polar, with methionine, which is neutral and non-polar, at codon 1799 of the MCM3AP protein (p.Thr1799Met). This variant is present in population databases (rs374041135, gnomAD 0.005%). This variant has not been reported in the literature in individuals affected with MCM3AP-related conditions. Algorithms developed to predict the effect of missense changes on protein structure and function are either unavailable or do not agree on the potential impact of this missense change (SIFT: "Deleterious"; PolyPhen-2: "Probably Damaging"; Align-GVGD: "Class C15"). In summary, the available evidence is currently insufficient to determine the role of this variant in disease. Therefore, it has been classified as a Variant of Uncertain Significance.

NM_003906.5(MCM3AP):c.5396C>T (p.Thr1799Met)

Genes: MCM3AP (minichromosome maintenance complex component 3 associated protein; minus strand), MCM3AP-AS1 (MCM3AP antisense RNA 1; plus strand). Cytogenetic location: 21q22.3.
Variant type: single nucleotide variant.
Coding change: c.5396C>T on transcript NM_003906.5 (MANE Select); coding-DNA position 5396, C replaced by T.
Protein change: p.Thr1799Met; replaces threonine 1799 with methionine.
Molecular consequence: missense variant. On other transcripts: non-coding transcript variant (2).
Genome position (GRCh38, 1-based): chr21:46,242,832, G>A on the plus strand (C>T on the coding strand, the complement: MCM3AP is on the minus strand). VCF-style: chr21-46242832-G-A. GRCh37 (hg19) VCF-style: chr21-47662746-G-A.
Other names: c.5396C>T (NM_003906.3); short protein forms T1799M.
Identifiers: ClinVar variation 2067464 (VCV002067464.3), dbSNP rs374041135, ClinGen allele CA10075871.